The following is an entry in ClinVar:

NM_001370129.2(ZNF479):c.705T>C (p.His235=)

Gene: ZNF479 (zinc finger protein 479; minus strand). Cytogenetic location: 7p11.2.
Variant type: single nucleotide variant.
Coding change: c.705T>C on transcript NM_001370129.2 (MANE Select); coding-DNA position 705, T replaced by C.
Protein change: p.His235=; no amino-acid change (histidine 235 retained).
Molecular consequence: synonymous variant.
Genome position (GRCh38, 1-based): chr7:57,120,710, A>G on the plus strand (T>C on the coding strand, the complement: ZNF479 is on the minus strand). VCF-style: chr7-57120710-A-G. GRCh37 (hg19) VCF-style: chr7-57188417-A-G.
Other names: c.705T>C, p.His235= (NM_033273.3).
Identifiers: ClinVar variation 2657518 (VCV002657518.24), dbSNP rs369030821, ClinGen allele CA4271062.
Genomic context (GRCh38, chr7:57,120,710, plus strand): 5'-GTTTGCAGACCAGCTAAAGGCTTTGCCACATTCCTCACATCTATATGGTTTCTCTCCAGT[A>G]TGAATTATTTTATGTGTAGTATGGTTTGAGGAGCAGTTAAAGGATTTGCCACATTCTTTG-3'
Protein context (NP_001357058.1, residues 225-245): SSNHTTHKII[His235=]TGEKPYRCEE

ClinVar aggregate classification (germline): Likely benign (1 of 4 stars; one submission).

Allele frequency attached by ClinVar (database versions not stated): gnomAD exomes 0.00026; ExAC 0.00068; ESP Exome Variant Server 0.00082; gnomAD 0.00119; TOPMed 0.00156; 1000 Genomes Project 0.00200; 1000 Genomes Project 30x 0.00219.

Submission:

CeGaT Center for Human Genetics Tuebingen
Classification: Likely benign. Last evaluated: 2022-06-01. Review status: criteria provided, single submitter. Criteria: CeGaT Center For Human Genetics Tuebingen Variant Classification Criteria Version 2. Collection method: clinical testing. Allele origin: germline. Affected: yes. Observed: 1 variant allele.
Comment: ZNF479: BP4, BP7